The following is an entry in ClinVar:

NM_000057.4(BLM):c.3045A>G (p.Thr1015=)

Gene: BLM (BLM RecQ like helicase; plus strand). Cytogenetic location: 15q26.1.
Variant type: single nucleotide variant.
Coding change: c.3045A>G on transcript NM_000057.4 (MANE Select); coding-DNA position 3045, A replaced by G.
Protein change: p.Thr1015=; no amino-acid change (threonine 1015 retained).
Molecular consequence: synonymous variant.
Genome position (GRCh38, 1-based): chr15:90,794,192, A>G. VCF-style: chr15-90794192-A-G. GRCh37 (hg19) VCF-style: chr15-91337422-A-G.
Other names: c.3045A>G, p.Thr1015= (NM_001287246.2, NM_001287247.2); c.1920A>G, p.Thr640= (NM_001287248.2).
Identifiers: ClinVar variation 696836 (VCV000696836.40), dbSNP rs966206627, ClinGen allele CA492164636.

ClinVar aggregate classification (germline): Likely benign. Review status: criteria provided, multiple submitters, no conflicts (2 of 4 stars). 4 submissions from 4 submitters: Likely benign (3). 1 of the submissions does not count toward it. Last evaluated 2025-11-22.

Conditions:
Bloom syndrome (BLM). Also called: Bloom-Torre-Machacek syndrome. Identifiers: Orphanet 125, MedGen C0005859, MONDO:0008876, OMIM 210900.
BLM-related disorder. Also called: BLM-related condition.
Hereditary cancer-predisposing syndrome. Also called: Neoplastic Syndromes, Hereditary; Tumor predisposition; Hereditary neoplastic syndrome; Hereditary Cancer Syndrome. Identifiers: Orphanet 140162, MedGen C0027672, MeSH D009386, MONDO:0015356.

Allele frequency attached by ClinVar (database versions not stated): gnomAD exomes 0.00001.
gnomAD v4.1: 12 of 1,605,318 alleles (0.00075%); highest among the groups gnomAD compares: Non-Finnish European, 0.00094%; no homozygotes.

Submissions (4):

Labcorp Genetics (formerly Invitae), Labcorp
Classification: Likely benign for Bloom syndrome. Last evaluated: 2025-11-22. Review status: criteria provided, single submitter. Criteria: Invitae Variant Classification Sherloc (09022015). Collection method: clinical testing. Allele origin: germline.

CeGaT Center for Human Genetics Tuebingen
Classification: Likely benign. Last evaluated: 2024-12-01. Review status: criteria provided, single submitter. Criteria: CeGaT Center For Human Genetics Tuebingen Variant Classification Criteria Version 2. Collection method: clinical testing. Allele origin: germline. Affected: yes. Observed: 2 variant alleles.
Comment: BLM: BP4, BP7

Ambry Genetics
Classification: Likely benign for Hereditary cancer-predisposing syndrome. Last evaluated: 2018-08-10. Review status: criteria provided, single submitter. Criteria: Ambry Variant Classification Scheme 2023. Collection method: clinical testing. Allele origin: germline.

PreventionGenetics, part of Exact Sciences
Classification: Likely benign for BLM-related condition. Last evaluated: 2022-03-11. Review status: no assertion criteria provided. Collection method: clinical testing. Allele origin: germline. Not counted in ClinVar's aggregate classification.
Comment: This variant is classified as likely benign based on ACMG/AMP sequence variant interpretation guidelines (Richards et al. 2015 PMID: 25741868, with internal and published modifications).